The following is an entry in ClinVar:

NM_001024845.3(SLC6A9):c.1613C>T (p.Ala538Val)

Gene: SLC6A9 (solute carrier family 6 member 9; minus strand). Cytogenetic location: 1p34.1.
Variant type: single nucleotide variant.
Coding change: c.1613C>T on transcript NM_001024845.3 (MANE Select); coding-DNA position 1613, C replaced by T.
Protein change: p.Ala538Val; replaces alanine 538 with valine.
Molecular consequence: missense variant. On other transcripts: non-coding transcript variant (1), intron variant (1).
Genome position (GRCh38, 1-based): chr1:43,997,949, G>A on the plus strand (C>T on the coding strand, the complement: SLC6A9 is on the minus strand). VCF-style: chr1-43997949-G-A. GRCh37 (hg19) VCF-style: chr1-44463621-G-A.
Other names: c.1625C>T, p.Ala542Val (NM_001261380.2); c.1280C>T, p.Ala427Val (NM_001328626.2); c.1550C>T, p.Ala517Val (NM_001328627.1); c.1418C>T, p.Ala473Val (NM_001328628.1); c.1613C>T, p.Ala538Val (NM_001328629.1); c.1670C>T, p.Ala557Val (NM_006934.4); c.1832C>T, p.Ala611Val (NM_201649.4); c.1204-210C>T (NM_001328630.2); and 1 more; short protein forms A427V, A542V, A517V, A538V, A557V, A611V, A473V.
Identifiers: ClinVar variation 1497922 (VCV001497922.8), dbSNP rs756505420, ClinGen allele CA817408.

ClinVar aggregate classification (germline): Uncertain significance. Review status: criteria provided, multiple submitters, no conflicts (2 of 4 stars). 3 submissions from 3 submitters: Uncertain significance (3). Last evaluated 2023-12-19.

Conditions:
Inborn genetic diseases. Identifiers: MedGen C0950123, MeSH D030342.
Atypical glycine encephalopathy. Also called: Glycine encephalopathy with normal serum glycine. Identifiers: Orphanet 289863, MedGen C4310943, MONDO:0015010, OMIM 617301.

Allele frequency attached by ClinVar (database versions not stated): ExAC 0.00001; gnomAD exomes 0.00001; gnomAD 0.00003; TOPMed 0.00005.
gnomAD v4.1: 15 of 1,614,042 alleles (0.00093%); highest among the groups gnomAD compares: African/African-American, 0.015%; no homozygotes.

Submissions (3):

Ambry Genetics
Classification: Uncertain significance for Inborn genetic diseases. Last evaluated: 2023-12-19. Review status: criteria provided, single submitter. Criteria: Ambry Variant Classification Scheme 2023. Collection method: clinical testing. Allele origin: germline.

Labcorp Genetics (formerly Invitae), Labcorp
Classification: Uncertain significance for Atypical glycine encephalopathy. Last evaluated: 2023-06-28. Review status: criteria provided, single submitter. Criteria: Invitae Variant Classification Sherloc (09022015). Collection method: clinical testing. Allele origin: germline.
Comment: In summary, the available evidence is currently insufficient to determine the role of this variant in disease. Therefore, it has been classified as a Variant of Uncertain Significance. Algorithms developed to predict the effect of missense changes on protein structure and function output the following: SIFT: "Not Available"; PolyPhen-2: "Benign"; Align-GVGD: "Not Available". The valine amino acid residue is found in multiple mammalian species, which suggests that this missense change does not adversely affect protein function. ClinVar contains an entry for this variant (Variation ID: 1497922). This variant has not been reported in the literature in individuals affected with SLC6A9-related conditions. This variant is present in population databases (rs756505420, gnomAD 0.02%). This sequence change replaces alanine, which is neutral and non-polar, with valine, which is neutral and non-polar, at codon 611 of the SLC6A9 protein (p.Ala611Val).

Breakthrough Genomics
Classification: Uncertain significance. Review status: criteria provided, single submitter. Criteria: ACMG Guidelines, 2015. Collection method: not provided. Allele origin: germline. Inheritance: Autosomal recessive inheritance. Affected: yes.